The following is an entry in ClinVar:

ClinVar aggregate classification (germline): Pathogenic (1 of 4 stars; one submission).

Conditions:
Fanconi anemia (FA). Also called: Fanconi's anemia. Identifiers: Orphanet 84, MedGen C0015625, MeSH D005199, MONDO:0019391.

Submission:

Labcorp Genetics (formerly Invitae), Labcorp
Classification: Pathogenic for Fanconi anemia. Last evaluated: 2022-03-01. Review status: criteria provided, single submitter. Criteria: Invitae Variant Classification Sherloc (09022015). Collection method: clinical testing. Allele origin: germline.
Comment: This sequence change creates a premature translational stop signal (p.Gly451Profs*66) in the FANCC gene. While this is not anticipated to result in nonsense mediated decay, it is expected to disrupt the last 108 amino acid(s) of the FANCC protein. This variant is not present in population databases (gnomAD no frequency). This variant has not been reported in the literature in individuals affected with FANCC-related conditions. This variant disrupts a region of the FANCC protein in which other variant(s) (p.Arg548*) have been determined to be pathogenic (PMID: 8103176, 8882868, 24584348). This suggests that this is a clinically significant region of the protein, and that variants that disrupt it are likely to be disease-causing. For these reasons, this variant has been classified as Pathogenic.

Literature cited by the submitters: PubMed 8103176; PubMed 8882868; PubMed 24584348.

NM_000136.3(FANCC):c.1351_1352del (p.Gly451fs)

Genes: AOPEP (aminopeptidase O (putative); plus strand), FANCC (FA complementation group C; minus strand). Cytogenetic location: 9q22.32.
Variant type: Deletion.
Coding change: c.1351_1352del on transcript NM_000136.3 (MANE Select); coding-DNA positions 1351 to 1352, 2 bases deleted (GG; older notation c.1351_1352delGG).
Protein change: p.Gly451fs; shifts the reading frame from glycine 451.
Molecular consequence: frameshift variant.
Genome position (GRCh38, 1-based): chr9:95,107,247-95,107,248, CC deleted on the plus strand (GG on the coding strand, the reverse complement: FANCC is on the minus strand); deleting any 2 consecutive bases within chr9:95,107,247-95,107,249 gives the same sequence; the c. name uses the placement nearest the transcript's 3' end. VCF-style (leftmost placement, unchanged base first): chr9-95107246-GCC-G. GRCh37 (hg19) VCF-style: chr9-97869528-GCC-G.
Other names: c.1351_1352del, p.Gly451fs (NM_001243743.2); short protein forms G451fs.
Identifiers: ClinVar variation 2105158 (VCV002105158.4), dbSNP rs2540810434, ClinGen allele CA2580080846.
Genomic context (GRCh38, chr9:95,107,246, plus strand): 5'-TGCTACCGTCTGCAGGTCCTGGGCTGAGAGGCTGCTGCTTCTGGACATTGCCAGGAGGTG[GCC>G]CAGCACGGCCTTCACCTGGACCTGGGCAATAGTATTTCACAGGGGAGAGGTTAGGAAGAG-3'